The following is an entry in ClinVar:

NM_016222.4(DDX41):c.274C>T (p.Gln92Ter)

Gene: DDX41 (DEAD-box helicase 41; minus strand). Cytogenetic location: 5q35.3.
Variant type: single nucleotide variant.
Coding change: c.274C>T on transcript NM_016222.4 (MANE Select); coding-DNA position 274, C replaced by T.
Protein change: p.Gln92Ter; replaces glutamine 92 with a stop codon.
Molecular consequence: nonsense. On other transcripts: 5 prime UTR variant (2).
Genome position (GRCh38, 1-based): chr5:177,516,312, G>A on the plus strand (C>T on the coding strand, the complement: DDX41 is on the minus strand). VCF-style: chr5-177516312-G-A. GRCh37 (hg19) VCF-style: chr5-176943313-G-A.
Other names: c.-105C>T (NM_001321732.2, NM_001321830.2); short protein forms Q92*.
Identifiers: ClinVar variation 4844588 (VCV004844588.1).

ClinVar aggregate classification (germline): Pathogenic (1 of 4 stars; one submission).

Conditions:
Inborn genetic diseases. Identifiers: MedGen C0950123, MeSH D030342.

Submission:

Ambry Genetics
Classification: Pathogenic for Inborn genetic diseases. Last evaluated: 2026-01-27. Review status: criteria provided, single submitter. Criteria: Ambry Variant Classification Scheme 2023. Collection method: clinical testing. Allele origin: germline.
Comment: The p.Q92* pathogenic mutation (also known as c.274C>T), located in coding exon 3 of the DDX41 gene, results from a C to T substitution at nucleotide position 274. This changes the amino acid from a glutamine to a stop codon within coding exon 3. This variant is considered to be rare based on population cohorts in the Genome Aggregation Database (gnomAD). This variant is expected to result in loss of function by premature protein truncation or nonsense-mediated mRNA decay. As such, this variant is interpreted as a disease-causing mutation.